The following is an entry in ClinVar:

ClinVar aggregate classification (germline): Uncertain significance (1 of 4 stars; one submission).

gnomAD v4.1: 3 of 1,566,322 alleles (0.00019%); highest among the groups gnomAD compares: East Asian, 0.0023%; no homozygotes.

Submission:

GeneDx
Classification: Uncertain significance. Last evaluated: 2026-04-22. Review status: criteria provided, single submitter. Criteria: GeneDx Variant Classification Process June 2021. Collection method: clinical testing. Allele origin: germline.
Comment: Not observed at significant frequency in large population cohorts (gnomAD); Has not been previously published as pathogenic or benign to our knowledge; Reported using an alternate transcript of the gene; In silico analysis does not support a benign or deleterious effect of this variant on protein structure/function

NM_001018005.2(TPM1):c.*5C>A

Gene: TPM1 (tropomyosin 1; plus strand). Cytogenetic location: 15q22.2.
Variant type: single nucleotide variant.
Coding change: c.*5C>A on transcript NM_001018005.2 (MANE Select); 5 bases downstream of the stop codon, C replaced by A.
Molecular consequence: 3 prime UTR variant. On other transcripts: missense variant (5), non-coding transcript variant (6), intron variant (14).
Genome position (GRCh38, 1-based): chr15:63,065,904, C>A. VCF-style: chr15-63065904-C-A. GRCh37 (hg19) VCF-style: chr15-63358103-C-A.
Other names: c.*53C>A (NM_000366.6, NM_001365779.1, NM_001407323.1 and 1 more transcripts); c.*5C>A (NM_001301244.2, NM_001330346.2, NM_001407322.1 and 3 more transcripts); c.781C>A, p.Leu261Ile (NM_001365777.1, NM_001407327.1, NM_001407328.1); c.673C>A, p.Leu225Ile (NM_001365780.1, NM_001407342.1); c.*1758C>A (NM_001365781.2, NM_001365782.1, NM_001407333.1 and 1 more transcripts); c.898+3259C>A (NM_001365778.1); c.772+3259C>A (NM_001407336.1, NM_001018020.2, NM_001407338.1 and 5 more transcripts); c.851+1762C>A (NM_001407326.1); and 1 more; short protein forms L225I, L261I.
Identifiers: ClinVar variation 5037688 (VCV005037688.1).